The following is an entry in ClinVar:

NM_014714.4(IFT140):c.182C>T (p.Pro61Leu)

Genes: IFT140 (intraflagellar transport 140; minus strand), LOC105371046 (uncharacterized LOC105371046; plus strand). Cytogenetic location: 16p13.3.
Variant type: single nucleotide variant.
Coding change: c.182C>T on transcript NM_014714.4 (MANE Select); coding-DNA position 182, C replaced by T.
Protein change: p.Pro61Leu; replaces proline 61 with leucine.
Molecular consequence: missense variant.
Genome position (GRCh38, 1-based): chr16:1,602,557, G>A on the plus strand (C>T on the coding strand, the complement: IFT140 is on the minus strand). VCF-style: chr16-1602557-G-A. GRCh37 (hg19) VCF-style: chr16-1652558-G-A.
Other names: short protein forms P61L.
Identifiers: ClinVar variation 1462721 (VCV001462721.6), dbSNP rs757082667, ClinGen allele CA7814789.
Genomic context (GRCh38, chr16:1,602,557, plus strand): 5'-TCCCAGCCCACAGCCAGCACCAGCCGCGTCGGGTGCCAGCACAGGGAAGCAACCCGGAAC[G>A]GCCTCTCGACGTGTGTATCTGGCACGCACTCCCCCTGCATTGGATGAGAGGCAAATTCCC-3'
Protein context (NP_055529.2, residues 51-71): ECVPDTHVER[Pro61Leu]FRVASLCWHP

ClinVar aggregate classification (germline): Uncertain significance (1 of 4 stars; one submission).

Conditions:
Saldino-Mainzer syndrome (SRTD9). Also called: Renal dysplasia, retinal pigmentary dystrophy, cerebellar ataxia and skeletal dysplasia; CONORENAL SYNDROME; SHORT-RIB THORACIC DYSPLASIA 9 WITHOUT POLYDACTYLY; short-rib thoracic dysplasia 9 with or without polydactyly. Identifiers: Orphanet 140969, MedGen C1849437, MONDO:0009964, OMIM 266920.

Allele frequency attached by ClinVar (database versions not stated): gnomAD exomes below 0.00001; TOPMed below 0.00001; ExAC 0.00001; gnomAD 0.00001.
gnomAD v4.1: 7 of 1,613,482 alleles (0.00043%); highest among the groups gnomAD compares: East Asian, 0.0022%; no homozygotes.

Submission:

Labcorp Genetics (formerly Invitae), Labcorp
Classification: Uncertain significance for Saldino-Mainzer syndrome. Last evaluated: 2021-07-31. Review status: criteria provided, single submitter. Criteria: Invitae Variant Classification Sherloc (09022015). Collection method: clinical testing. Allele origin: germline.
Comment: In summary, the available evidence is currently insufficient to determine the role of this variant in disease. Therefore, it has been classified as a Variant of Uncertain Significance. Algorithms developed to predict the effect of missense changes on protein structure and function are either unavailable or do not agree on the potential impact of this missense change (SIFT: "Deleterious"; PolyPhen-2: "Benign"; Align-GVGD: "Class C0"). This variant has not been reported in the literature in individuals affected with IFT140-related conditions. This variant is present in population databases (rs757082667, ExAC 0.006%). This sequence change replaces proline with leucine at codon 61 of the IFT140 protein (p.Pro61Leu). The proline residue is weakly conserved and there is a moderate physicochemical difference between proline and leucine.